The following is an entry in ClinVar:

NM_176787.5(PIGN):c.1984C>T (p.Leu662Phe)

Gene: PIGN (phosphatidylinositol glycan anchor biosynthesis class N; minus strand). Cytogenetic location: 18q21.33.
Variant type: single nucleotide variant.
Coding change: c.1984C>T on transcript NM_176787.5 (MANE Select); coding-DNA position 1984, C replaced by T.
Protein change: p.Leu662Phe; replaces leucine 662 with phenylalanine.
Molecular consequence: missense variant.
Genome position (GRCh38, 1-based): chr18:62,101,168, G>A on the plus strand (C>T on the coding strand, the complement: PIGN is on the minus strand). VCF-style: chr18-62101168-G-A. GRCh37 (hg19) VCF-style: chr18-59768401-G-A.
Other names: c.1984C>T, p.Leu662Phe (NM_012327.6); c.1984C>T (NM_176787.4); short protein forms L662F.
Identifiers: ClinVar variation 1445861 (VCV001445861.7), dbSNP rs377552386, ClinGen allele CA8982119.
Genomic context (GRCh38, chr18:62,101,168, plus strand): 5'-GAGGCAGTCCTTGCTTCCTGAGTAGACTACTCTGAGTGCTATACACAACATACATGGAGA[G>A]CACTGTGCTCAGCACCTAAAGACAAAGATGAAATAGGTTAAAAAAAGAGAAGGTAGTGAA-3'
Protein context (NP_789744.1, residues 652-672): VHLLQVLSTV[Leu662Phe]SMYVVYSTQS

ClinVar aggregate classification (germline): Uncertain significance. Review status: criteria provided, multiple submitters, no conflicts (2 of 4 stars). 2 submissions from 2 submitters: Uncertain significance (2). Last evaluated 2024-07-23.

Conditions:
Inborn genetic diseases. Identifiers: MedGen C0950123, MeSH D030342.
Multiple congenital anomalies-hypotonia-seizures syndrome 1 (MCAHS1). Also called: Congenital disorder of glycosylation due to PIGN deficiency; PIGN-CDG; GLYCOSYLPHOSPHATIDYLINOSITOL BIOSYNTHESIS DEFECT 3. Identifiers: Orphanet 280633, MedGen C3279775, MONDO:0013563, OMIM 614080.

Allele frequency attached by ClinVar (database versions not stated): gnomAD exomes below 0.00001 and 0.00001; ExAC 0.00001; gnomAD 0.00003 and 0.00004; TOPMed 0.00007; ESP Exome Variant Server 0.00008.
gnomAD v4.1: 16 of 1,600,328 alleles (0.001%); highest among the groups gnomAD compares: African/African-American, 0.008%; no homozygotes.

Submissions (2):

Ambry Genetics
Classification: Uncertain significance for Inborn genetic diseases. Last evaluated: 2024-07-23. Review status: criteria provided, single submitter. Criteria: Ambry Variant Classification Scheme 2023. Collection method: clinical testing. Allele origin: germline.

Labcorp Genetics (formerly Invitae), Labcorp
Classification: Uncertain significance for Multiple congenital anomalies-hypotonia-seizures syndrome 1. Last evaluated: 2022-05-15. Review status: criteria provided, single submitter. Criteria: Invitae Variant Classification Sherloc (09022015). Collection method: clinical testing. Allele origin: germline.
Comment: This sequence change replaces leucine, which is neutral and non-polar, with phenylalanine, which is neutral and non-polar, at codon 662 of the PIGN protein (p.Leu662Phe). This variant is present in population databases (rs377552386, gnomAD 0.007%). This variant has not been reported in the literature in individuals affected with PIGN-related conditions. Algorithms developed to predict the effect of missense changes on protein structure and function output the following: SIFT: "Tolerated"; PolyPhen-2: "Benign"; Align-GVGD: "Class C0". The phenylalanine amino acid residue is found in multiple mammalian species, which suggests that this missense change does not adversely affect protein function. In summary, the available evidence is currently insufficient to determine the role of this variant in disease. Therefore, it has been classified as a Variant of Uncertain Significance.